The following is an entry in ClinVar:

NM_206926.2(SELENON):c.1399-1G>A

Gene: SELENON (selenoprotein N; plus strand). Cytogenetic location: 1p36.11.
Variant type: single nucleotide variant.
Coding change: c.1399-1G>A on transcript NM_206926.2 (MANE Select); the canonical splice acceptor site of the intron before coding-DNA position 1399, G replaced by A.
Molecular consequence: splice acceptor variant.
Genome position (GRCh38, 1-based): chr1:25,814,076, G>A. VCF-style: chr1-25814076-G-A. GRCh37 (hg19) VCF-style: chr1-26140567-G-A.
Other names: c.1501-1G>A (NM_020451.3).
Identifiers: ClinVar variation 658952 (VCV000658952.10), dbSNP rs750138587, ClinGen allele CA696909.

ClinVar aggregate classification (germline): Conflicting classifications of pathogenicity. Review status: criteria provided, conflicting classifications (1 of 4 stars). 3 submissions from 3 submitters: Likely pathogenic (2); Uncertain significance (1). Last evaluated 2024-04-14.

Conditions:
Eichsfeld type congenital muscular dystrophy (CMYO3). Also called: Rigid spine muscular dystrophy 1; MYOPATHY, SEPN1-RELATED; SELENON-related myopathy; Congenital myopathy 3 with rigid spine. Identifiers: MedGen C0410180, MONDO:0100100, OMIM 602771.

Allele frequency attached by ClinVar (database versions not stated): gnomAD exomes below 0.00001 and 0.00001; ExAC 0.00001.
gnomAD v4.1: 2 of 1,613,994 alleles (0.00012%); highest among the groups gnomAD compares: East Asian, 0.0045%; no homozygotes.

Submissions (3):

Fulgent Genetics
Classification: Likely pathogenic for Eichsfeld type congenital muscular dystrophy. Last evaluated: 2024-04-14. Review status: criteria provided, single submitter. Criteria: ACMG Guidelines, 2015. Collection method: clinical testing. Allele origin: germline.

Broad Center for Mendelian Genomics, Broad Institute of MIT and Harvard
Classification: Uncertain significance. Last evaluated: 2023-01-24. Review status: criteria provided, single submitter. Criteria: ACMG Guidelines, 2015. Collection method: curation. Allele origin: germline. Inheritance: Autosomal recessive inheritance.
Comment: The c.1501-1G>A variant in SELENON has not been previously reported in the literature in individuals with SELENON-RM but has been identified in 0.01% (2/17978) of East Asian chromosomes by the Genome Aggregation Database (gnomAD; dbSNP ID: rs750138587). Although this variant has been seen in the general population in a heterozygous state, its frequency is not high enough to rule out a pathogenic role. This variant has also been reported in ClinVar (Variation ID#: 658952) and has been interpreted as likely pathogenic by Invitae. This variant is located in the 5' splice region. Computational tools predict a splicing impact, though this information is not predictive enough to determine pathogenicity. This variant is adjacent to an in-frame exon and is more likely to escape nonsense mediated decay (NMD) and result in a truncated protein. Loss of function of the SELENON gene is an established disease mechanism in autosomal recessive SELENON-RM. In summary, the clinical significance of the c.1501-1G>A variant is uncertain. ACMG/AMP Criteria applied: PVS1_moderate (Richards 2015).

Labcorp Genetics (formerly Invitae), Labcorp
Classification: Likely pathogenic for Eichsfeld type congenital muscular dystrophy. Last evaluated: 2022-03-18. Review status: criteria provided, single submitter. Criteria: Invitae Variant Classification Sherloc (09022015). Collection method: clinical testing. Allele origin: germline.
Comment: This variant is present in population databases (rs750138587, gnomAD 0.01%). In summary, the currently available evidence indicates that the variant is pathogenic, but additional data are needed to prove that conclusively. Therefore, this variant has been classified as Likely Pathogenic. Algorithms developed to predict the effect of sequence changes on RNA splicing suggest that this variant may disrupt the consensus splice site. ClinVar contains an entry for this variant (Variation ID: 658952). This variant has not been reported in the literature in individuals affected with SELENON-related conditions. This sequence change affects an acceptor splice site in intron 11 of the SELENON gene. It is expected to disrupt RNA splicing. Variants that disrupt the donor or acceptor splice site typically lead to a loss of protein function (PMID: 16199547), and loss-of-function variants in SELENON are known to be pathogenic (PMID: 21131290, 21670436).

Literature cited by the submitters: PubMed 16199547 (cited by Labcorp Genetics (formerly Invitae), Labcorp); PubMed 21131290 (cited by Labcorp Genetics (formerly Invitae), Labcorp); PubMed 21670436 (cited by Labcorp Genetics (formerly Invitae), Labcorp).